The following is an entry in ClinVar:

ClinVar aggregate classification (germline): Pathogenic (1 of 4 stars; one submission).

Submission:

Clinical Genomics Laboratory, Laboratory for Precision Diagnostics, University of Washington
Classification: Pathogenic. Last evaluated: 2023-03-20. Review status: criteria provided, single submitter. Criteria: ACMG/ClinGen CNV Guidelines, 2019. Collection method: clinical testing. Allele origin: unknown. Affected: yes. Observed: 1 variant allele.
Comment: This terminal deletion of chromosome 4p is approximately 34.2 Mb and contains 165 protein-coding genes. It contains the entirety of the critical region for Wolf-Hirschhorn syndrome (WHS).

Literature cited by the submitters: PubMed 34002939; PubMed 17480006; PubMed 35428251; PubMed 17726485; PubMed 36849216; PubMed 18932124.

GRCh38/hg38 4p16.3-15.1(chr4:49556-34302129)x1

Genes: ABLIM2 (actin binding LIM protein family member 2; minus strand), ACOX3 (acyl-CoA oxidase 3, pristanoyl; minus strand), ADD1 (adducin 1; plus strand), ADGRA3 (adhesion G protein-coupled receptor A3; minus strand), ADRA2C (adrenoceptor alpha 2C; plus strand) and 882 more. Cytogenetic location: 4p16.3-15.1.
Variant type: copy number loss.
Change: copy number 1 (one copy instead of two) of chr4:49,556-34,302,129 (34.25 Mb, GRCh38 coordinates, 1-based), cytogenetic band 4p16.3-15.1.
Identifiers: ClinVar variation 4890925 (VCV004890925.1).